The following is an entry in ClinVar:

NM_173648.4(CCDC141):c.4496C>G (p.Thr1499Arg)

Gene: CCDC141 (coiled-coil domain containing 141; minus strand). Cytogenetic location: 2q31.2.
Variant type: single nucleotide variant.
Coding change: c.4496C>G on transcript NM_173648.4 (MANE Select); coding-DNA position 4496, C replaced by G.
Protein change: p.Thr1499Arg; replaces threonine 1499 with arginine.
Molecular consequence: missense variant.
Genome position (GRCh38, 1-based): chr2:178,834,270, G>C on the plus strand (C>G on the coding strand, the complement: CCDC141 is on the minus strand). VCF-style: chr2-178834270-G-C. GRCh37 (hg19) VCF-style: chr2-179698997-G-C.
Other names: short protein forms T1499R.
Identifiers: ClinVar variation 1435305 (VCV001435305.8), dbSNP rs780755107, ClinGen allele CA2006485.

ClinVar aggregate classification (germline): Uncertain significance (1 of 4 stars; one submission).

Allele frequency attached by ClinVar (database versions not stated): ExAC 0.00007; gnomAD 0.00007 and 0.00008; gnomAD exomes 0.00007 and 0.00008; TOPMed 0.00009.
gnomAD v4.1: 119 of 1,536,014 alleles (0.0077%); highest among the groups gnomAD compares: Admixed American, 0.022%; no homozygotes.

Submission:

Labcorp Genetics (formerly Invitae), Labcorp
Classification: Uncertain significance. Last evaluated: 2024-11-06. Review status: criteria provided, single submitter. Criteria: Invitae Variant Classification Sherloc (09022015). Collection method: clinical testing. Allele origin: germline.
Comment: This sequence change replaces threonine, which is neutral and polar, with arginine, which is basic and polar, at codon 1499 of the CCDC141 protein (p.Thr1499Arg). This variant is present in population databases (rs780755107, gnomAD 0.01%). This missense change has been observed in individual(s) with clinical features of idiopathic hypogonadotropic hypogonadism (PMID: 28324054). ClinVar contains an entry for this variant (Variation ID: 1435305). An algorithm developed to predict the effect of missense changes on protein structure and function (PolyPhen-2) suggests that this variant is likely to be disruptive. In summary, the available evidence is currently insufficient to determine the role of this variant in disease. Therefore, it has been classified as a Variant of Uncertain Significance.

Literature cited by the submitters: PubMed 28324054.